The following is an entry in ClinVar:

ClinVar aggregate classification (germline): Uncertain significance (1 of 4 stars; one submission).

Submission:

Labcorp Genetics (formerly Invitae), Labcorp
Classification: Uncertain significance. Last evaluated: 2023-07-16. Review status: criteria provided, single submitter. Criteria: Invitae Variant Classification Sherloc (09022015). Collection method: clinical testing. Allele origin: germline.
Comment: This variant, c.1308_1310del, results in the deletion of 1 amino acid(s) of the CACNA1E protein (p.Ser437del), but otherwise preserves the integrity of the reading frame. This variant is not present in population databases (gnomAD no frequency). This variant has not been reported in the literature in individuals affected with CACNA1E-related conditions. Experimental studies and prediction algorithms are not available or were not evaluated, and the functional significance of this variant is currently unknown. In summary, the available evidence is currently insufficient to determine the role of this variant in disease. Therefore, it has been classified as a Variant of Uncertain Significance.

NM_001205293.3(CACNA1E):c.1305CTC[1] (p.Ser437del)

Gene: CACNA1E (calcium voltage-gated channel subunit alpha1 E; plus strand). Cytogenetic location: 1q25.3.
Variant type: Microsatellite.
Coding change: c.1305CTC[1] on transcript NM_001205293.3 (MANE Select); one copy of the 3-base unit CTC starting at c.1305; the reference has two copies in a row; one copy, 3 bases deleted.
Protein change: p.Ser437del; deletes serine 437.
Molecular consequence: inframe deletion.
Genome position (GRCh38, 1-based): chr1:181,716,122-181,716,124, CTC deleted; deleting any 3 consecutive bases within chr1:181,716,119-181,716,124 gives the same sequence; the position shown is the placement nearest the transcript's 3' end. VCF-style (leftmost placement, unchanged base first): chr1-181716118-TCTC-T. GRCh37 (hg19) VCF-style: chr1-181685254-TCTC-T.
Other names: c.1305CTC[1], p.Ser437del (NM_000721.4, NM_001205294.2); short protein forms S437del.
Identifiers: ClinVar variation 2743779 (VCV002743779.3), dbSNP rs2528496496, ClinGen allele CA2697554698.